The following is an entry in ClinVar:

ClinVar aggregate classification (germline): Uncertain significance (1 of 4 stars; one submission).

Conditions:
Hereditary cancer-predisposing syndrome. Also called: Neoplastic Syndromes, Hereditary; Tumor predisposition; Hereditary neoplastic syndrome; Hereditary Cancer Syndrome. Identifiers: Orphanet 140162, MedGen C0027672, MeSH D009386, MONDO:0015356.

Submission:

Ambry Genetics
Classification: Uncertain significance for Hereditary cancer-predisposing syndrome. Last evaluated: 2025-04-21. Review status: criteria provided, single submitter. Criteria: Ambry Variant Classification Scheme 2023. Collection method: clinical testing. Allele origin: germline.
Comment: The p.Q778R variant (also known as c.2333A>G), located in coding exon 13 of the ALK gene, results from an A to G substitution at nucleotide position 2333. The glutamine at codon 778 is replaced by arginine, an amino acid with highly similar properties. This amino acid position is conserved. In addition, the in silico prediction for this alteration is inconclusive. Based on the available evidence, the clinical significance of this variant remains unclear.

NM_004304.5(ALK):c.2333A>G (p.Gln778Arg)

Gene: ALK (ALK receptor tyrosine kinase; minus strand). Cytogenetic location: 2p23.2.
Variant type: single nucleotide variant.
Coding change: c.2333A>G on transcript NM_004304.5 (MANE Select); coding-DNA position 2333, A replaced by G.
Protein change: p.Gln778Arg; replaces glutamine 778 with arginine.
Molecular consequence: missense variant.
Genome position (GRCh38, 1-based): chr2:29,239,702, T>C on the plus strand (A>G on the coding strand, the complement: ALK is on the minus strand). VCF-style: chr2-29239702-T-C. GRCh37 (hg19) VCF-style: chr2-29462568-T-C.
Other names: short protein forms Q778R.
Identifiers: ClinVar variation 4040741 (VCV004040741.1).